The following is an entry in ClinVar:

NM_181882.3(PRX):c.1450A>G (p.Met484Val)

Gene: PRX (periaxin; minus strand). Cytogenetic location: 19q13.2.
Variant type: single nucleotide variant.
Coding change: c.1450A>G on transcript NM_181882.3 (MANE Select); coding-DNA position 1450, A replaced by G.
Protein change: p.Met484Val; replaces methionine 484 with valine.
Molecular consequence: missense variant. On other transcripts: 3 prime UTR variant (1).
Genome position (GRCh38, 1-based): chr19:40,396,902, T>C on the plus strand (A>G on the coding strand, the complement: PRX is on the minus strand). VCF-style: chr19-40396902-T-C. GRCh37 (hg19) VCF-style: chr19-40902809-T-C.
Other names: c.*1655A>G (NM_020956.2); short protein forms M484V.
Identifiers: ClinVar variation 1414505 (VCV001414505.5), dbSNP rs1462275457, ClinGen allele CA405898364.

ClinVar aggregate classification (germline): Uncertain significance (1 of 4 stars; one submission).

Conditions:
Charcot-Marie-Tooth disease type 4. Also called: Charcot-Marie-Tooth disease, type IV; Charcot-Marie-Tooth, Type 4. Identifiers: Orphanet 64749, MedGen C4082197, MONDO:0018995.

gnomAD v4.1: 10 of 1,613,766 alleles (0.00062%); highest among the groups gnomAD compares: African/African-American, 0.0013%; no homozygotes.

Submission:

Labcorp Genetics (formerly Invitae), Labcorp
Classification: Uncertain significance for Charcot-Marie-Tooth disease type 4. Last evaluated: 2021-09-24. Review status: criteria provided, single submitter. Criteria: Invitae Variant Classification Sherloc (09022015). Collection method: clinical testing. Allele origin: germline.
Comment: This sequence change replaces methionine with valine at codon 484 of the PRX protein (p.Met484Val). The methionine residue is moderately conserved and there is a small physicochemical difference between methionine and valine. This variant is not present in population databases (ExAC no frequency). This variant has not been reported in the literature in individuals with PRX-related conditions. Algorithms developed to predict the effect of missense changes on protein structure and function output the following: SIFT: "Tolerated"; PolyPhen-2: "Benign"; Align-GVGD: "Class C0". The valine amino acid residue is found in multiple mammalian species, suggesting that this missense change does not adversely affect protein function. These predictions have not been confirmed by published functional studies and their clinical significance is uncertain. Algorithms developed to predict the effect of sequence changes on RNA splicing suggest that this variant may create or strengthen a splice site, but this prediction has not been confirmed by published transcriptional studies. In summary, the available evidence is currently insufficient to determine the role of this variant in disease. Therefore, it has been classified as a Variant of Uncertain Significance.